The following is an entry in ClinVar:

NM_006904.7(PRKDC):c.3108C>G (p.Phe1036Leu)

Gene: PRKDC (protein kinase, DNA-activated, catalytic subunit; minus strand). Cytogenetic location: 8q11.21.
Variant type: single nucleotide variant.
Coding change: c.3108C>G on transcript NM_006904.7 (MANE Select); coding-DNA position 3108, C replaced by G.
Protein change: p.Phe1036Leu; replaces phenylalanine 1036 with leucine.
Molecular consequence: missense variant.
Genome position (GRCh38, 1-based): chr8:47,902,730, G>C on the plus strand (C>G on the coding strand, the complement: PRKDC is on the minus strand). VCF-style: chr8-47902730-G-C. GRCh37 (hg19) VCF-style: chr8-48815290-G-C.
Other names: c.3108C>G, p.Phe1036Leu (NM_001081640.2); short protein forms F1036L.
Identifiers: ClinVar variation 1727707 (VCV001727707.2), dbSNP rs2551875588, ClinGen allele CA371157023.

ClinVar aggregate classification (germline): Uncertain significance (1 of 4 stars; one submission).

Allele frequency attached by ClinVar (database versions not stated): gnomAD exomes below 0.00001.
gnomAD v4.1: 1 of 1,613,710 alleles (0.000062%); highest among the groups gnomAD compares: Non-Finnish European, 0.000085%; no homozygotes.

Submission:

Ambry Genetics
Classification: Uncertain significance. Last evaluated: 2022-03-14. Review status: criteria provided, single submitter. Criteria: Ambry Variant Classification Scheme 2023. Collection method: clinical testing. Allele origin: germline.
Comment: The p.F1036L variant (also known as c.3108C>G), located in coding exon 27 of the PRKDC gene, results from a C to G substitution at nucleotide position 3108. The phenylalanine at codon 1036 is replaced by leucine, an amino acid with highly similar properties. This amino acid position is conserved. In addition, the in silico prediction for this alteration is inconclusive. Since supporting evidence is limited at this time, the clinical significance of this alteration remains unclear.